The following is an entry in ClinVar:

ClinVar aggregate classification (germline): Uncertain significance (1 of 4 stars; one submission).

gnomAD v4.1: 15 of 1,611,834 alleles (0.00093%); highest among the groups gnomAD compares: Non-Finnish European, 0.0012%; no homozygotes.

Submission:

Labcorp Genetics (formerly Invitae), Labcorp
Classification: Uncertain significance. Last evaluated: 2025-05-15. Review status: criteria provided, single submitter. Criteria: Invitae Variant Classification Sherloc (09022015). Collection method: clinical testing. Allele origin: germline.
Comment: This sequence change replaces arginine, which is basic and polar, with cysteine, which is neutral and slightly polar, at codon 276 of the ANKZF1 protein (p.Arg276Cys). This variant is present in population databases (rs530025449, gnomAD 0.003%). This variant has not been reported in the literature in individuals affected with ANKZF1-related conditions. ClinVar contains an entry for this variant (Variation ID: 3628358). An algorithm developed to predict the effect of missense changes on protein structure and function (PolyPhen-2) suggests that this variant is likely to be disruptive. In summary, the available evidence is currently insufficient to determine the role of this variant in disease. Therefore, it has been classified as a Variant of Uncertain Significance.

NM_018089.3(ANKZF1):c.826C>T (p.Arg276Cys)

Gene: ANKZF1 (ankyrin repeat and zinc finger peptidyl tRNA hydrolase 1; plus strand). Cytogenetic location: 2q35.
Variant type: single nucleotide variant.
Coding change: c.826C>T on transcript NM_018089.3 (MANE Select); coding-DNA position 826, C replaced by T.
Protein change: p.Arg276Cys; replaces arginine 276 with cysteine.
Molecular consequence: missense variant.
Genome position (GRCh38, 1-based): chr2:219,233,721, C>T. VCF-style: chr2-219233721-C-T. GRCh37 (hg19) VCF-style: chr2-220098443-C-T.
Other names: c.826C>T, p.Arg276Cys (NM_001042410.2); c.196C>T, p.Arg66Cys (NM_001282792.2); short protein forms R276C, R66C.
Identifiers: ClinVar variation 3628358 (VCV003628358.2).